The following is an entry in ClinVar:

ClinVar aggregate classification (germline): Pathogenic (3 of 4 stars; one submission).

Conditions:
Monogenic diabetes. Identifiers: Orphanet 183625, MedGen C3888631, MONDO:0015967.

Submission:

ClinGen Monogenic Diabetes Variant Curation Expert Panel
Classification: Pathogenic for Monogenic diabetes. Last evaluated: 2021-08-18. Review status: reviewed by expert panel. Criteria: ClinGen Diabetes ACMG Specifications v1 1. Collection method: curation. Allele origin: germline. Inheritance: Autosomal dominant inheritance.
Comment: The c.736G>T variant in the HNF1 homeobox A gene, HNF1A, causes an amino acid change of valine to leucine at codon 246 (p.(V246L)) of NM_000545.8. This variant is located within the DNA binding domain (codons 201-280) of HNF1A, which is defined as critical for the protein’s function by the ClinGen MDEP (PM1_Supporting). This variant is also predicted to be deleterious by computational evidence, with a REVEL score of 0.781, which is greater than the MDEP threshold of 0.70 (PP3). This variant is absent in gnomAD v2.1.1 (PM2_Supporting), and was identified in five unrelated individuals with non-autoimmune and non-absolute/near-absolute insulin-deficient diabetes (PS4_Moderate; internal lab contributors). At least 3 of these individuals had a clinical history highly specific for HNF1A-MODY (MODY probability calculator result >50%, negative genetic testing for HNF4A, and antibody negative) (PP4_Moderate; internal lab contributors). This variant also segregated with diabetes, with at least seven informative meioses in four families with MODY (PP1_Strong; internal lab contributors). Taken together, this evidence supports the classification of c.736G>T as pathogenic for monogenic diabetes. ACMG/AMP criteria applied, as specified by the ClinGen MDEP VCEP (specification version 1.0): PP1_strong, PP4_moderate, PS4_moderate, PP3, PM1_supporting, PM2_supporting.

NM_000545.8(HNF1A):c.736G>T (p.Val246Leu)

Gene: HNF1A (HNF1 homeobox A; plus strand). Cytogenetic location: 12q24.31.
Variant type: single nucleotide variant.
Coding change: c.736G>T on transcript NM_000545.8 (MANE Select); coding-DNA position 736, G replaced by T.
Protein change: p.Val246Leu; replaces valine 246 with leucine.
Molecular consequence: missense variant.
Genome position (GRCh38, 1-based): chr12:120,994,186, G>T. VCF-style: chr12-120994186-G-T. GRCh37 (hg19) VCF-style: chr12-121431989-G-T.
Other names: NM_001306179.2:c.736G>T; c.736G>T, p.Val246Leu (NM_001306179.2); short protein forms V246L.
Identifiers: ClinVar variation 1327596 (VCV001327596.3), dbSNP rs2135841224, ClinGen allele CA386965858.